The following is an entry in ClinVar:

NM_018127.7(ELAC2):c.1889G>A (p.Arg630Gln)

Gene: ELAC2 (elaC ribonuclease Z 2; minus strand). Cytogenetic location: 17p12.
Variant type: single nucleotide variant.
Coding change: c.1889G>A on transcript NM_018127.7 (MANE Select); coding-DNA position 1889, G replaced by A.
Protein change: p.Arg630Gln; replaces arginine 630 with glutamine.
Molecular consequence: missense variant.
Genome position (GRCh38, 1-based): chr17:12,994,982, C>T on the plus strand (G>A on the coding strand, the complement: ELAC2 is on the minus strand). VCF-style: chr17-12994982-C-T. GRCh37 (hg19) VCF-style: chr17-12898299-C-T.
Other names: c.1889G>A (NM_018127.6); c.1769G>A, p.Arg590Gln (NM_001165962.2); c.1886G>A, p.Arg629Gln (NM_173717.2); short protein forms R629Q, R630Q, R590Q.
Identifiers: ClinVar variation 2149115 (VCV002149115.3), dbSNP rs755317820, ClinGen allele CA8401028.

ClinVar aggregate classification (germline): Uncertain significance. Review status: criteria provided, multiple submitters, no conflicts (2 of 4 stars). 2 submissions from 2 submitters: Uncertain significance (2). Last evaluated 2026-01-05.

Conditions:
Inborn genetic diseases. Identifiers: MedGen C0950123, MeSH D030342.
Combined oxidative phosphorylation defect type 17. Also called: Combined oxidative phosphorylation deficiency 17. Identifiers: Orphanet 369913, MedGen C3809526, MONDO:0014190, OMIM 615440.

Allele frequency attached by ClinVar (database versions not stated): ExAC 0.00001; gnomAD 0.00001; gnomAD exomes 0.00002; TOPMed 0.00002.
gnomAD v4.1: 36 of 1,614,052 alleles (0.0022%); highest among the groups gnomAD compares: Non-Finnish European, 0.0029%; no homozygotes.

Submissions (2):

Labcorp Genetics (formerly Invitae), Labcorp
Classification: Uncertain significance for Combined oxidative phosphorylation defect type 17. Last evaluated: 2026-01-05. Review status: criteria provided, single submitter. Criteria: Invitae Variant Classification Sherloc (09022015). Collection method: clinical testing. Allele origin: germline.
Comment: This sequence change replaces arginine, which is basic and polar, with glutamine, which is neutral and polar, at codon 630 of the ELAC2 protein (p.Arg630Gln). This variant is present in population databases (rs755317820, gnomAD 0.002%). This variant has not been reported in the literature in individuals affected with ELAC2-related conditions. ClinVar contains an entry for this variant (Variation ID: 2149115). Invitae Evidence Modeling of protein sequence and biophysical properties (such as structural, functional, and spatial information, amino acid conservation, physicochemical variation, residue mobility, and thermodynamic stability) indicates that this missense variant is not expected to disrupt ELAC2 protein function with a negative predictive value of 80%. In summary, the available evidence is currently insufficient to determine the role of this variant in disease. Therefore, it has been classified as a Variant of Uncertain Significance.

Ambry Genetics
Classification: Uncertain significance for Inborn genetic diseases. Last evaluated: 2024-04-16. Review status: criteria provided, single submitter. Criteria: Ambry Variant Classification Scheme 2023. Collection method: clinical testing. Allele origin: germline.